The following is an entry in ClinVar:

NM_194248.3(OTOF):c.1912G>T (p.Gly638Cys)

Gene: OTOF (otoferlin; minus strand). Cytogenetic location: 2p23.3.
Variant type: single nucleotide variant.
Coding change: c.1912G>T on transcript NM_194248.3 (MANE Select); coding-DNA position 1912, G replaced by T.
Protein change: p.Gly638Cys; replaces glycine 638 with cysteine.
Molecular consequence: missense variant.
Genome position (GRCh38, 1-based): chr2:26,480,203, C>A on the plus strand (G>T on the coding strand, the complement: OTOF is on the minus strand). VCF-style: chr2-26480203-C-A. GRCh37 (hg19) VCF-style: chr2-26703071-C-A.
Other names: c.1912G>T, p.Gly638Cys (NM_001287489.2); short protein forms G638C.
Identifiers: ClinVar variation 429282 (VCV000429282.2), dbSNP rs1131691297, ClinGen allele CA346131620.

ClinVar aggregate classification (germline): Uncertain significance (1 of 4 stars; one submission).

Allele frequency attached by ClinVar (database versions not stated): gnomAD 0.00001; TOPMed below 0.00001.
gnomAD v4.1: 1 of 1,597,640 alleles (0.000063%); highest among the groups gnomAD compares: Admixed American, 0.0017%; no homozygotes.

Submission:

GeneDx
Classification: Uncertain significance. Last evaluated: 2017-05-04. Review status: criteria provided, single submitter. Criteria: GeneDx Variant Classification (06012015). Collection method: clinical testing. Allele origin: germline. Affected: yes.
Comment: The G638C variant in the OTOF gene has not been reported previously as a pathogenic variant, nor as a benign variant, to our knowledge. The G638C variant is not observed in large population cohorts (Lek et al., 2016; 1000 Genomes Consortium et al., 2015; Exome Variant Server). The G638C variant is a non-conservative amino acid substitution, which is likely to impact secondary protein structure as these residues differ in polarity, charge, size and/or other properties. This substitution occurs at a position that is conserved across species. In silico analysis predicts this variant is probably damaging to the protein structure/function. We interpret G638C as a variant of uncertain significance.